The following is an entry in ClinVar:

NM_006721.4(ADK):c.375G>C (p.Val125=)

Gene: ADK (adenosine kinase; plus strand). Cytogenetic location: 10q22.2.
Variant type: single nucleotide variant.
Coding change: c.375G>C on transcript NM_006721.4 (MANE Select); coding-DNA position 375, G replaced by C.
Protein change: p.Val125=; no amino-acid change (valine 125 retained).
Molecular consequence: synonymous variant.
Genome position (GRCh38, 1-based): chr10:74,394,242, G>C. VCF-style: chr10-74394242-G-C. GRCh37 (hg19) VCF-style: chr10-76154000-G-C.
Other names: c.324G>C, p.Val108= (NM_001123.4, NM_001369124.1); c.270G>C, p.Val90= (NM_001202449.2); c.375G>C, p.Val125= (NM_001202450.2, NM_001369123.1).
Identifiers: ClinVar variation 1608943 (VCV001608943.10), dbSNP rs772902599, ClinGen allele CA5563942.
Genomic context (GRCh38, chr10:74,394,242, plus strand): 5'-ATGCATTGGGATAGATAAATTTGGGGAGATCCTGAAGAGAAAAGCTGCTGAAGCCCATGT[G>C]GATGCTCATTACTACGAGCAGAATGAGCAGCCAACAGGAACTTGTGCTGCATGCATCACT-3'
Protein context (NP_006712.2, residues 115-135): ILKRKAAEAH[Val125=]DAHYYEQNEQ

ClinVar aggregate classification (germline): Likely benign. Review status: criteria provided, multiple submitters, no conflicts (2 of 4 stars). 3 submissions from 3 submitters: Likely benign (3). Last evaluated 2026-08-01.

Allele frequency attached by ClinVar (database versions not stated): ExAC 0.00002; gnomAD exomes 0.00002; TOPMed 0.00002.
gnomAD v4.1: 26 of 1,614,006 alleles (0.0016%); highest among the groups gnomAD compares: South Asian, 0.0099%; no homozygotes.

Submissions (3):

CeGaT Center for Human Genetics Tuebingen
Classification: Likely benign. Last evaluated: 2026-08-01. Review status: criteria provided, single submitter. Criteria: CeGaT Center For Human Genetics Tuebingen Variant Classification Criteria Version 2. Collection method: clinical testing. Allele origin: germline. Affected: yes. Observed: 1 variant allele.
Comment: ADK: BP4, BP7

Labcorp Genetics (formerly Invitae), Labcorp
Classification: Likely benign. Last evaluated: 2025-12-01. Review status: criteria provided, single submitter. Criteria: Invitae Variant Classification Sherloc (09022015). Collection method: clinical testing. Allele origin: germline.

Blueprint Genetics
Classification: Likely benign. Last evaluated: 2023-03-24. Review status: criteria provided, single submitter. Criteria: ACMG Guidelines, 2015. Collection method: clinical testing. Allele origin: germline.